The following is an entry in ClinVar:

ClinVar aggregate classification (germline): Pathogenic (1 of 4 stars; one submission).

Submission:

Labcorp Genetics (formerly Invitae), Labcorp
Classification: Pathogenic. Last evaluated: 2021-10-23. Review status: criteria provided, single submitter. Criteria: Invitae Variant Classification Sherloc (09022015). Collection method: clinical testing. Allele origin: germline.
Comment: This sequence change creates a premature translational stop signal (p.Cys302Alafs*8) in the HOGA1 gene. While this is not anticipated to result in nonsense mediated decay, it is expected to disrupt the last 26 amino acid(s) of the HOGA1 protein. This variant is not present in population databases (ExAC no frequency). This variant has not been reported in the literature in individuals affected with HOGA1-related conditions. This variant disrupts a region of the HOGA1 protein in which other variant(s) (p.Glu315del) have been determined to be pathogenic (PMID: 20797690, 22771891, 27096395). This suggests that this is a clinically significant region of the protein, and that variants that disrupt it are likely to be disease-causing. For these reasons, this variant has been classified as Pathogenic.

Literature cited by the submitters: PubMed 20797690; PubMed 22771891; PubMed 27096395.

NM_138413.4(HOGA1):c.904del (p.Cys302fs)

Gene: HOGA1 (4-hydroxy-2-oxoglutarate aldolase 1; plus strand). Cytogenetic location: 10q24.2.
Variant type: Deletion.
Coding change: c.904del on transcript NM_138413.4 (MANE Select); coding-DNA position 904, one base deleted (T; older notation c.904delT).
Protein change: p.Cys302fs; shifts the reading frame from cysteine 302.
Molecular consequence: frameshift variant.
Genome position (GRCh38, 1-based): chr10:97,611,579, T deleted. VCF-style (leftmost placement, unchanged base first): chr10-97611578-CT-C. GRCh37 (hg19) VCF-style: chr10-99371335-CT-C.
Other names: c.415del, p.Cys139fs (NM_001134670.2); short protein forms C139fs, C302fs.
Identifiers: ClinVar variation 1456334 (VCV001456334.6), dbSNP rs2135729861, ClinGen allele CA912970598.